The following is an entry in ClinVar:

NM_007186.6(CEP250):c.4697A>G (p.His1566Arg)

Gene: CEP250 (centrosomal protein 250; plus strand). Cytogenetic location: 20q11.22.
Variant type: single nucleotide variant.
Coding change: c.4697A>G on transcript NM_007186.6 (MANE Select); coding-DNA position 4697, A replaced by G.
Protein change: p.His1566Arg; replaces histidine 1566 with arginine.
Molecular consequence: missense variant.
Genome position (GRCh38, 1-based): chr20:35,503,066, A>G. VCF-style: chr20-35503066-A-G. GRCh37 (hg19) VCF-style: chr20-34090894-A-G.
Other names: c.2801A>G, p.His934Arg (NM_001318219.1); short protein forms H1566R, H934R.
Identifiers: ClinVar variation 1524236 (VCV001524236.3), dbSNP rs371083759, ClinGen allele CA9833753.

ClinVar aggregate classification (germline): Uncertain significance (1 of 4 stars; one submission).

Allele frequency attached by ClinVar (database versions not stated): gnomAD exomes below 0.00001; ExAC 0.00001; TOPMed 0.00002; ESP Exome Variant Server 0.00008.
gnomAD v4.1: 2 of 1,614,218 alleles (0.00012%); highest among the groups gnomAD compares: Non-Finnish European, 0.000085%; no homozygotes.

Submission:

Labcorp Genetics (formerly Invitae), Labcorp
Classification: Uncertain significance. Last evaluated: 2021-10-13. Review status: criteria provided, single submitter. Criteria: Invitae Variant Classification Sherloc (09022015). Collection method: clinical testing. Allele origin: germline.
Comment: This sequence change replaces histidine with arginine at codon 1566 of the CEP250 protein (p.His1566Arg). The histidine residue is moderately conserved and there is a small physicochemical difference between histidine and arginine. This variant is present in population databases (rs371083759, ExAC 0.002%). This variant has not been reported in the literature in individuals affected with CEP250-related conditions. Algorithms developed to predict the effect of missense changes on protein structure and function output the following: SIFT: "Not Available"; PolyPhen-2: "Benign"; Align-GVGD: "Not Available". The arginine amino acid residue is found in multiple mammalian species, which suggests that this missense change does not adversely affect protein function. In summary, the available evidence is currently insufficient to determine the role of this variant in disease. Therefore, it has been classified as a Variant of Uncertain Significance.